The following is an entry in ClinVar:

ClinVar aggregate classification (germline): Uncertain significance (1 of 4 stars; one submission).

Allele frequency attached by ClinVar (database versions not stated): ESP Exome Variant Server 0.00008; ExAC 0.00002; TOPMed 0.00006; gnomAD 0.00003.
gnomAD v4.1: 26 of 1,551,088 alleles (0.0017%); highest among the groups gnomAD compares: Middle Eastern, 0.017%; no homozygotes.

Submission:

Labcorp Genetics (formerly Invitae), Labcorp
Classification: Uncertain significance. Last evaluated: 2025-12-03. Review status: criteria provided, single submitter. Criteria: Invitae Variant Classification Sherloc (09022015). Collection method: clinical testing. Allele origin: germline.
Comment: This sequence change replaces arginine, which is basic and polar, with glutamine, which is neutral and polar, at codon 496 of the RNF31 protein (p.Arg496Gln). This variant is present in population databases (rs374500483, gnomAD 0.01%). This variant has not been reported in the literature in individuals affected with RNF31-related conditions. ClinVar contains an entry for this variant (Variation ID: 2892617). An algorithm developed to predict the effect of missense changes on protein structure and function outputs the following: PolyPhen-2: "Benign". The glutamine amino acid residue is found in multiple mammalian species, which suggests that this missense change does not adversely affect protein function. In summary, the available evidence is currently insufficient to determine the role of this variant in disease. Therefore, it has been classified as a Variant of Uncertain Significance.

NM_017999.5(RNF31):c.1487G>A (p.Arg496Gln)

Gene: RNF31 (ring finger protein 31; plus strand). Cytogenetic location: 14q12.
Variant type: single nucleotide variant.
Coding change: c.1487G>A on transcript NM_017999.5 (MANE Select); coding-DNA position 1487, G replaced by A.
Protein change: p.Arg496Gln; replaces arginine 496 with glutamine.
Molecular consequence: missense variant.
Genome position (GRCh38, 1-based): chr14:24,150,887, G>A. VCF-style: chr14-24150887-G-A. GRCh37 (hg19) VCF-style: chr14-24620096-G-A.
Other names: c.1034G>A, p.Arg345Gln (NM_001310332.2); short protein forms R345Q, R496Q.
Identifiers: ClinVar variation 2892617 (VCV002892617.3), dbSNP rs374500483, ClinGen allele CA7125779.